The following is an entry in ClinVar:

ClinVar aggregate classification (germline): Uncertain significance (1 of 4 stars; one submission).

Conditions:
Focal dermal hypoplasia (FDH). Also called: Goltz syndrome. Identifiers: Orphanet 2092, MedGen C0016395, MONDO:0010592, OMIM 305600.

Submission:

Victorian Clinical Genetics Services, Murdoch Childrens Research Institute
Classification: Uncertain significance for Focal dermal hypoplasia. Last evaluated: 2025-07-24. Review status: criteria provided, single submitter. Criteria: ACMG Guidelines, 2015. Collection method: clinical testing. Allele origin: germline. Affected: yes.
Comment: This variant is classified as VUS-3B. Evidence in support of pathogenic classification: Variant is absent from gnomAD (v2, v3 and v4). Evidence in support of benign classification: Missense variant predicted to be tolerated by in silico tool(s) or not conserved in placental mammals with a minor amino acid change. Additional information: Variant is predicted to result in a missense amino acid change from Asn to Ser; This variant is hemizygous; This gene is associated with X-linked disease; This variant has no previous evidence of pathogenicity; No published evidence of segregation with disease has been identified for this variant; No published functional evidence has been identified for this variant; No comparable missense variants have previous evidence for pathogenicity; Variant is located in the annotated name MBOAT membrane-bound O-acyltransferase family domain (DECIPHER); Loss of function is a known mechanism of disease in this gene and is associated with focal dermal hypoplasia (MIM#305600).

NM_203475.3(PORCN):c.959A>G (p.Asn320Ser)

Gene: PORCN (porcupine O-acyltransferase; plus strand). Cytogenetic location: Xp11.23.
Variant type: single nucleotide variant.
Coding change: c.959A>G on transcript NM_203475.3 (MANE Select); coding-DNA position 959, A replaced by G.
Protein change: p.Asn320Ser; replaces asparagine 320 with serine.
Molecular consequence: missense variant. On other transcripts: non-coding transcript variant (2).
Genome position (GRCh38, 1-based): chrX:48,515,729, A>G. VCF-style: chrX-48515729-A-G. GRCh37 (hg19) VCF-style: chrX-48374117-A-G.
Other names: c.713A>G, p.Asn238Ser (NM_001282167.2); c.1283A>G, p.Asn428Ser (NM_001441333.1); c.1265A>G, p.Asn422Ser (NM_001441334.1); c.1031A>G, p.Asn344Ser (NM_001441335.1); c.1118A>G, p.Asn373Ser (NM_001441336.1); c.926A>G, p.Asn309Ser (NM_022825.4); c.944A>G, p.Asn315Ser (NM_203473.3); c.941A>G, p.Asn314Ser (NM_203474.1); short protein forms N238S, N309S, N314S, N315S, N320S, N344S, N373S, N422S.
Identifiers: ClinVar variation 4531319 (VCV004531319.1).
Genomic context (GRCh38, chrX:48,515,729, plus strand): 5'-GCTGGGGGACTTTCAGGAGAATTTTATCCCACATCTCTTCCCCTCCAGATGTTTTCAAGA[A>G]TGCTCTCCGCCTGGGGACCTTCTCGGCTGTGCTGGTCACCTATGCAGCCAGCGCCCTCCT-3'
Protein context (NP_982301.1, residues 310-330): SYWLNNYVFK[Asn320Ser]ALRLGTFSAV